The following is an entry in ClinVar:

NM_003835.4(RGS9):c.1313G>A (p.Arg438His)

Gene: RGS9 (regulator of G protein signaling 9; plus strand). Cytogenetic location: 17q24.1.
Variant type: single nucleotide variant.
Coding change: c.1313G>A on transcript NM_003835.4 (MANE Select); coding-DNA position 1313, G replaced by A.
Protein change: p.Arg438His; replaces arginine 438 with histidine.
Molecular consequence: missense variant.
Genome position (GRCh38, 1-based): chr17:65,210,511, G>A. VCF-style: chr17-65210511-G-A. GRCh37 (hg19) VCF-style: chr17-63206629-G-A.
Other names: c.1304G>A, p.Arg435His (NM_001081955.3, NM_001165933.2); short protein forms R438H, R435H.
Identifiers: ClinVar variation 1425254 (VCV001425254.4), dbSNP rs761061220, ClinGen allele CA8718005.
Genomic context (GRCh38, chr17:65,210,511, plus strand): 5'-CATTTTCCTCCAACCACCAATCTGTCCTTCCTTCCAGCTCCACCCTCCCTTTTATGCGGC[G>A]TCACCTGCGCTCCAGCCCAAGCCCTGTCATCCTGAGACAGCTGGAAGAGGAAGCCAAGGC-3'
Protein context (NP_003826.2, residues 428-448): KKSSTLPFMR[Arg438His]HLRSSPSPVI

ClinVar aggregate classification (germline): Uncertain significance (1 of 4 stars; one submission).

Allele frequency attached by ClinVar (database versions not stated): gnomAD exomes 0.00001 and 0.00002; ExAC 0.00002; TOPMed 0.00002.
gnomAD v4.1: 16 of 1,613,408 alleles (0.00099%); highest among the groups gnomAD compares: African/African-American, 0.0027%; no homozygotes.

Submission:

Labcorp Genetics (formerly Invitae), Labcorp
Classification: Uncertain significance. Last evaluated: 2022-07-06. Review status: criteria provided, single submitter. Criteria: Invitae Variant Classification Sherloc (09022015). Collection method: clinical testing. Allele origin: germline.
Comment: In summary, the available evidence is currently insufficient to determine the role of this variant in disease. Therefore, it has been classified as a Variant of Uncertain Significance. Algorithms developed to predict the effect of missense changes on protein structure and function are either unavailable or do not agree on the potential impact of this missense change (SIFT: "Deleterious"; PolyPhen-2: "Probably Damaging"; Align-GVGD: "Class C0"). ClinVar contains an entry for this variant (Variation ID: 1425254). This variant has not been reported in the literature in individuals affected with RGS9-related conditions. This variant is present in population databases (rs761061220, gnomAD 0.007%). This sequence change replaces arginine, which is basic and polar, with histidine, which is basic and polar, at codon 438 of the RGS9 protein (p.Arg438His).